The following is an entry in ClinVar:

NM_014476.6(PDLIM3):c.857G>A (p.Gly286Asp)

Gene: PDLIM3 (PDZ and LIM domain 3; minus strand). Cytogenetic location: 4q35.1.
Variant type: single nucleotide variant.
Coding change: c.857G>A on transcript NM_014476.6 (MANE Select); coding-DNA position 857, G replaced by A.
Protein change: p.Gly286Asp; replaces glycine 286 with aspartic acid.
Molecular consequence: missense variant. On other transcripts: non-coding transcript variant (1).
Genome position (GRCh38, 1-based): chr4:185,504,523, C>T on the plus strand (G>A on the coding strand, the complement: PDLIM3 is on the minus strand). VCF-style: chr4-185504523-C-T. GRCh37 (hg19) VCF-style: chr4-186425677-C-T.
Other names: c.713G>A, p.Gly238Asp (NM_001114107.5); c.593G>A, p.Gly198Asp (NM_001257962.2); c.356G>A, p.Gly119Asp (NM_001257963.2); short protein forms G119D, G238D, G286D, G198D.
Identifiers: ClinVar variation 3887497 (VCV003887497.1).

ClinVar aggregate classification (germline): Uncertain significance (1 of 4 stars; one submission).

Submission:

Ambry Genetics
Classification: Uncertain significance. Last evaluated: 2025-03-13. Review status: criteria provided, single submitter. Criteria: Ambry Variant Classification Scheme 2023. Collection method: clinical testing. Allele origin: germline.
Comment: The p.G286D variant (also known as c.857G>A), located in coding exon 7 of the PDLIM3 gene, results from a G to A substitution at nucleotide position 857. The glycine at codon 286 is replaced by aspartic acid, an amino acid with similar properties. This amino acid position is conserved. In addition, the in silico prediction for this alteration is inconclusive. Based on the available evidence, the clinical significance of this variant remains unclear.